The following is an entry in ClinVar:

ClinVar aggregate classification (germline): Uncertain significance (1 of 4 stars; one submission).

Conditions:
Hereditary diffuse gastric adenocarcinoma (HDGC). Also called: DIFFUSE GASTRIC AND LOBULAR BREAST CANCER SYNDROME. Identifiers: Orphanet 26106, MedGen C1708349, MONDO:0007648, OMIM 137215.

gnomAD v4.1: 1 of 1,614,126 alleles (0.000062%); highest among the groups gnomAD compares: Non-Finnish European, 0.000085%; no homozygotes.

Submission:

Labcorp Genetics (formerly Invitae), Labcorp
Classification: Uncertain significance for Hereditary diffuse gastric adenocarcinoma. Last evaluated: 2025-06-15. Review status: criteria provided, single submitter. Criteria: Invitae Variant Classification Sherloc (09022015). Collection method: clinical testing. Allele origin: germline.
Comment: This sequence change replaces aspartic acid, which is acidic and polar, with asparagine, which is neutral and polar, at codon 821 of the CDH1 protein (p.Asp821Asn). This variant is not present in population databases (gnomAD no frequency). This variant has not been reported in the literature in individuals affected with CDH1-related conditions. An algorithm developed to predict the effect of missense changes on protein structure and function (PolyPhen-2) suggests that this variant is likely to be disruptive. In summary, the available evidence is currently insufficient to determine the role of this variant in disease. Therefore, it has been classified as a Variant of Uncertain Significance.

NM_004360.5(CDH1):c.2461G>A (p.Asp821Asn)

Gene: CDH1 (cadherin 1; plus strand). Cytogenetic location: 16q22.1.
Variant type: single nucleotide variant.
Coding change: c.2461G>A on transcript NM_004360.5 (MANE Select); coding-DNA position 2461, G replaced by A.
Protein change: p.Asp821Asn; replaces aspartic acid 821 with asparagine.
Molecular consequence: missense variant.
Genome position (GRCh38, 1-based): chr16:68,833,311, G>A. VCF-style: chr16-68833311-G-A. GRCh37 (hg19) VCF-style: chr16-68867214-G-A.
Other names: c.2278G>A, p.Asp760Asn (NM_001317184.2); c.913G>A, p.Asp305Asn (NM_001317185.2); c.496G>A, p.Asp166Asn (NM_001317186.2); short protein forms D166N, D305N, D760N, D821N.
Identifiers: ClinVar variation 4798634 (VCV004798634.1).
Genomic context (GRCh38, chr16:68,833,311, plus strand): 5'-TCCTTTCACTAAAAGATGCTTTTGTCCCTTCTTCTTTAGAATCTGAAAGCGGCTGATACT[G>A]ACCCCACAGCCCCGCCTTATGATTCTCTGCTCGTGTTTGACTATGAAGGAAGCGGTTCCG-3'
Protein context (NP_004351.1, residues 811-831): IDENLKAADT[Asp821Asn]PTAPPYDSLL